The following is an entry in ClinVar:

NM_000393.5(COL5A2):c.1406A>G (p.Asp469Gly)

Gene: COL5A2 (collagen type V alpha 2 chain; minus strand). Cytogenetic location: 2q32.2.
Variant type: single nucleotide variant.
Coding change: c.1406A>G on transcript NM_000393.5 (MANE Select); coding-DNA position 1406, A replaced by G.
Protein change: p.Asp469Gly; replaces aspartic acid 469 with glycine.
Molecular consequence: missense variant.
Genome position (GRCh38, 1-based): chr2:189,066,778, T>C on the plus strand (A>G on the coding strand, the complement: COL5A2 is on the minus strand). VCF-style: chr2-189066778-T-C. GRCh37 (hg19) VCF-style: chr2-189931504-T-C.
Other names: short protein forms D469G.
Identifiers: ClinVar variation 459727 (VCV000459727.10), dbSNP rs1553515681, ClinGen allele CA349852471.

ClinVar aggregate classification (germline): Uncertain significance (1 of 4 stars; one submission).

Conditions:
Ehlers-Danlos syndrome, classic type, 1 (EDSCL1). Also called: EHLERS-DANLOS SYNDROME, GRAVIS TYPE; EHLERS-DANLOS SYNDROME, SEVERE CLASSIC TYPE; EDS I; Ehlers-Danlos Syndrome, Classic Type, COL5A1-Related; Ehlers-Danlos syndrome, type 1. Identifiers: MedGen C0268335, MONDO:0019567, OMIM 130000.

Allele frequency attached by ClinVar (database versions not stated): gnomAD exomes below 0.00001.
gnomAD v4.1: 1 of 1,612,882 alleles (0.000062%); highest among the groups gnomAD compares: South Asian, 0.0011%; no homozygotes.

Submission:

Labcorp Genetics (formerly Invitae), Labcorp
Classification: Uncertain significance for Ehlers-Danlos syndrome, classic type, 1. Last evaluated: 2017-06-22. Review status: criteria provided, single submitter. Criteria: Invitae Variant Classification Sherloc (09022015). Collection method: clinical testing. Allele origin: germline.
Comment: This sequence change replaces aspartic acid with glycine at codon 469 of the COL5A2 protein (p.Asp469Gly). The aspartic acid residue is highly conserved and there is a moderate physicochemical difference between aspartic acid and glycine. This variant is not present in population databases (ExAC no frequency). This variant has not been reported in the literature in individuals with COL5A2-related disease. Algorithms developed to predict the effect of missense changes on protein structure and function (SIFT, PolyPhen-2, Align-GVGD) all suggest that this variant is likely to be disruptive, but these predictions have not been confirmed by published functional studies and their clinical significance is uncertain. In summary, the available evidence is currently insufficient to determine the role of this variant in disease. Therefore, it has been classified as a Variant of Uncertain Significance.